The following is an entry in ClinVar:

NM_001025603.2(RFX5):c.803A>G (p.Asn268Ser)

Gene: RFX5 (regulatory factor X5; minus strand). Cytogenetic location: 1q21.3.
Variant type: single nucleotide variant.
Coding change: c.803A>G on transcript NM_001025603.2 (MANE Select); coding-DNA position 803, A replaced by G.
Protein change: p.Asn268Ser; replaces asparagine 268 with serine.
Molecular consequence: missense variant.
Genome position (GRCh38, 1-based): chr1:151,343,397, T>C on the plus strand (A>G on the coding strand, the complement: RFX5 is on the minus strand). VCF-style: chr1-151343397-T-C. GRCh37 (hg19) VCF-style: chr1-151315873-T-C.
Other names: c.803A>G, p.Asn268Ser (NM_000449.4, NM_001379412.1, NM_001379413.1 and 5 more transcripts); c.683A>G, p.Asn228Ser (NM_001379419.1, NM_001379420.1); short protein forms N268S, N228S.
Identifiers: ClinVar variation 643502 (VCV000643502.8), dbSNP rs1571258872, ClinGen allele CA341935561.

ClinVar aggregate classification (germline): Uncertain significance (1 of 4 stars; one submission).

Conditions:
MHC class II deficiency. Also called: Bare lymphocyte syndrome 2; BLS, TYPE II. Identifiers: Orphanet 572, MedGen C5447452, MONDO:0008855.

Submission:

Labcorp Genetics (formerly Invitae), Labcorp
Classification: Uncertain significance for MHC class II deficiency. Last evaluated: 2018-09-11. Review status: criteria provided, single submitter. Criteria: Invitae Variant Classification Sherloc (09022015). Collection method: clinical testing. Allele origin: germline.
Comment: This variant has not been reported in the literature in individuals with RFX5-related disease. This sequence change replaces asparagine with serine at codon 268 of the RFX5 protein (p.Asn268Ser). The asparagine residue is weakly conserved and there is a small physicochemical difference between asparagine and serine. This variant is not present in population databases (ExAC no frequency). Algorithms developed to predict the effect of missense changes on protein structure and function are either unavailable or do not agree on the potential impact of this missense change (SIFT: "Tolerated"; PolyPhen-2: "Possibly Damaging"; Align-GVGD: "Class C0"). In summary, the available evidence is currently insufficient to determine the role of this variant in disease. Therefore, it has been classified as a Variant of Uncertain Significance.